The following is an entry in ClinVar:

ClinVar aggregate classification (germline): Likely pathogenic (1 of 4 stars; one submission).

Conditions:
Phosphoribosylaminoimidazole carboxylase deficiency (PAICSD). Identifiers: MedGen C1291561, OMIM 619859, MONDO:0859244.

Submission:

Computational Genomics, IRCCS Azienda Ospedaliero-universitaria Di Bologna
Classification: Likely pathogenic for Phosphoribosylaminoimidazole carboxylase deficiency. Last evaluated: 2026-05-13. Review status: criteria provided, single submitter. Criteria: ACMG Guidelines, 2015. Collection method: clinical testing. Allele origin: paternal. Inheritance: Autosomal recessive inheritance. Affected: yes. Observed: 1 variant allele, 1 compound heterozygote.
Comment: The NM_001079524.2:c.843_844del (p.Cys281Ter) is a delition variant in PAICS which is predicted to result in a premature stop codon at position 281, and likely results in an absent or disrupted protein product (PVS1). This variant has not been reported in ClinVar and has never been observed in the homozygous state in gnomAD (PM2_sup; version 4.1.1). In summary, this variant meets criteria to be classified as likely pathogenic based on the ACMG/AMP criteria applied (PM2_Sup, PVS1).

NM_001079524.2(PAICS):c.843_844del (p.Cys281_Glu282delinsTer)

Gene: PAICS (phosphoribosylaminoimidazole carboxylase and phosphoribosylaminoimidazolesuccinocarboxamide synthase; plus strand). Cytogenetic location: 4q12.
Variant type: Microsatellite.
Coding change: c.843_844del on transcript NM_001079524.2 (MANE Select); coding-DNA positions 843 to 844, 2 bases deleted (TG; older notation c.843_844delTG).
Protein change: p.Cys281_Glu282delinsTer.
Molecular consequence: nonsense.
Genome position (GRCh38, 1-based): chr4:56,451,943-56,451,944, TG deleted; deleting any 2 consecutive bases within chr4:56,451,941-56,451,944 gives the same sequence; the c. name uses the placement nearest the transcript's 3' end. VCF-style (leftmost placement, unchanged base first): chr4-56451940-CTG-C. GRCh37 (hg19) VCF-style: chr4-57318106-CTG-C.
Other names: c.864_865del, p.Cys288_Glu289delinsTer (NM_001079525.2); c.2010_2011del, p.Cys670_Glu671delinsTer (NM_001392010.1); c.1926_1927del, p.Cys642_Glu643delinsTer (NM_001392011.1); c.1470_1471del, p.Cys490_Glu491delinsTer (NM_001392012.1); c.843_844del, p.Cys281_Glu282delinsTer (NM_006452.4).
Identifiers: ClinVar variation 4850860 (VCV004850860.1).